The following is an entry in ClinVar:

NM_001184.4(ATR):c.4480T>C (p.Trp1494Arg)

Gene: ATR (ATR checkpoint kinase; minus strand). Cytogenetic location: 3q23.
Variant type: single nucleotide variant.
Coding change: c.4480T>C on transcript NM_001184.4 (MANE Select); coding-DNA position 4480, T replaced by C.
Protein change: p.Trp1494Arg; replaces tryptophan 1494 with arginine.
Molecular consequence: missense variant.
Genome position (GRCh38, 1-based): chr3:142,515,418, A>G on the plus strand (T>C on the coding strand, the complement: ATR is on the minus strand). VCF-style: chr3-142515418-A-G. GRCh37 (hg19) VCF-style: chr3-142234260-A-G.
Other names: c.4288T>C, p.Trp1430Arg (NM_001354579.2); short protein forms W1430R, W1494R.
Identifiers: ClinVar variation 3221164 (VCV003221164.1), dbSNP rs2473231953, ClinGen allele CA354797830.

ClinVar aggregate classification (germline): Uncertain significance (1 of 4 stars; one submission).

Conditions:
Inborn genetic diseases. Identifiers: MedGen C0950123, MeSH D030342.

Submission:

Ambry Genetics
Classification: Uncertain significance for Inborn genetic diseases. Last evaluated: 2024-02-12. Review status: criteria provided, single submitter. Criteria: Ambry Variant Classification Scheme 2023. Collection method: clinical testing. Allele origin: germline.
Comment: The p.W1494R variant (also known as c.4480T>C), located in coding exon 25 of the ATR gene, results from a T to C substitution at nucleotide position 4480. The tryptophan at codon 1494 is replaced by arginine, an amino acid with dissimilar properties. This amino acid position is conserved. In addition, this alteration is predicted to be deleterious by in silico analysis. Based on the available evidence, the clinical significance of this alteration remains unclear.